The following is an entry in ClinVar:

ClinVar aggregate classification (germline): Uncertain significance (1 of 4 stars; one submission).

Allele frequency attached by ClinVar (database versions not stated): gnomAD exomes below 0.00001.

Submission:

Labcorp Genetics (formerly Invitae), Labcorp
Classification: Uncertain significance. Last evaluated: 2022-12-11. Review status: criteria provided, single submitter. Criteria: Invitae Variant Classification Sherloc (09022015). Collection method: clinical testing. Allele origin: germline.
Comment: This variant has not been reported in the literature in individuals affected with MAFB-related conditions. In summary, the available evidence is currently insufficient to determine the role of this variant in disease. Therefore, it has been classified as a Variant of Uncertain Significance. Advanced modeling of protein sequence and biophysical properties (such as structural, functional, and spatial information, amino acid conservation, physicochemical variation, residue mobility, and thermodynamic stability) performed at Invitae indicates that this missense variant is not expected to disrupt MAFB protein function. This variant is not present in population databases (gnomAD no frequency). This sequence change replaces glycine, which is neutral and non-polar, with serine, which is neutral and polar, at codon 203 of the MAFB protein (p.Gly203Ser).

NM_005461.5(MAFB):c.607G>A (p.Gly203Ser)

Gene: MAFB (MAF bZIP transcription factor B; minus strand). Cytogenetic location: 20q12.
Variant type: single nucleotide variant.
Coding change: c.607G>A on transcript NM_005461.5 (MANE Select); coding-DNA position 607, G replaced by A.
Protein change: p.Gly203Ser; replaces glycine 203 with serine.
Molecular consequence: missense variant.
Genome position (GRCh38, 1-based): chr20:40,688,244, C>T on the plus strand (G>A on the coding strand, the complement: MAFB is on the minus strand). VCF-style: chr20-40688244-C-T. GRCh37 (hg19) VCF-style: chr20-39316884-C-T.
Other names: short protein forms G203S.
Identifiers: ClinVar variation 2029428 (VCV002029428.4), dbSNP rs2515462835, ClinGen allele CA408940798.